The following is an entry in ClinVar:

ClinVar aggregate classification (germline): Benign (0 of 4 stars; one submission).

Conditions:
DIP2A-related disorder. Also called: DIP2A-related condition.

Allele frequency attached by ClinVar (database versions not stated): ESP Exome Variant Server 0.22352; ExAC 0.22377; gnomAD 0.22825; TOPMed 0.24249; 1000 Genomes Project 0.26558; 1000 Genomes Project 30x 0.26577.
gnomAD v4.1: 357,224 of 1,613,622 alleles (22%); highest among the groups gnomAD compares: Admixed American, 33%; 41,510 homozygotes.

Submission:

PreventionGenetics, part of Exact Sciences
Classification: Benign for DIP2A-related condition. Last evaluated: 2022-09-19. Review status: no assertion criteria provided. Collection method: clinical testing. Allele origin: germline.
Comment: This variant is classified as benign based on ACMG/AMP sequence variant interpretation guidelines (Richards et al. 2015 PMID: 25741868, with internal and published modifications).

NM_015151.4(DIP2A):c.2763G>A (p.Thr921=)

Gene: DIP2A (disco interacting protein 2 homolog A; plus strand). Cytogenetic location: 21q22.3.
Variant type: single nucleotide variant.
Coding change: c.2763G>A on transcript NM_015151.4 (MANE Select); coding-DNA position 2763, G replaced by A.
Protein change: p.Thr921=; no amino-acid change (threonine 921 retained).
Molecular consequence: synonymous variant.
Genome position (GRCh38, 1-based): chr21:46,550,668, G>A. VCF-style: chr21-46550668-G-A. GRCh37 (hg19) VCF-style: chr21-47970581-G-A.
Other names: c.2751G>A, p.Thr917= (NM_001146116.2); c.2766G>A, p.Thr922= (NM_001353942.2); c.2763G>A, p.Thr921= (NM_001353943.2, NM_001410751.1).
Identifiers: ClinVar variation 3060086 (VCV003060086.2), dbSNP rs2255397, ClinGen allele CA10082540.